The following is an entry in ClinVar:

ClinVar aggregate classification (germline): Uncertain significance (1 of 4 stars; one submission).

Conditions:
Pseudohypoaldosteronism type 2C (PHA2C). Also called: Pseudohypoaldosteronism Type IIC. Identifiers: Orphanet 757, Orphanet 88940, MedGen C1840391, MONDO:0013778, OMIM 614492.
Neuropathy, hereditary sensory and autonomic, type 2A (HSAN2A). Also called: MORVAN DISEASE; NEUROPATHY, CONGENITAL SENSORY; NEUROPATHY, HEREDITARY SENSORY RADICULAR, AUTOSOMAL RECESSIVE; NEUROPATHY, HEREDITARY SENSORY, TYPE IIA; NEUROPATHY, PROGRESSIVE SENSORY, OF CHILDREN; WNK1-Related HSAN2 (HSAN2A). Identifiers: Orphanet 970, MedGen C2752089, MONDO:0024309, OMIM 201300.

Allele frequency attached by ClinVar (database versions not stated): gnomAD exomes below 0.00001.
gnomAD v4.1: 2 of 1,614,174 alleles (0.00012%); highest among the groups gnomAD compares: African/African-American, 0.0013%; no homozygotes.

Submission:

Labcorp Genetics (formerly Invitae), Labcorp
Classification: Uncertain significance for Neuropathy, hereditary sensory and autonomic, type 2A; Pseudohypoaldosteronism type 2C. Last evaluated: 2023-07-17. Review status: criteria provided, single submitter. Criteria: Invitae Variant Classification Sherloc (09022015). Collection method: clinical testing. Allele origin: germline.
Comment: In summary, the available evidence is currently insufficient to determine the role of this variant in disease. Therefore, it has been classified as a Variant of Uncertain Significance. Advanced modeling of protein sequence and biophysical properties (such as structural, functional, and spatial information, amino acid conservation, physicochemical variation, residue mobility, and thermodynamic stability) performed at Invitae indicates that this missense variant is not expected to disrupt WNK1 protein function. ClinVar contains an entry for this variant (Variation ID: 842362). This variant has not been reported in the literature in individuals affected with WNK1-related conditions. This variant is not present in population databases (gnomAD no frequency). This sequence change replaces threonine, which is neutral and polar, with alanine, which is neutral and non-polar, at codon 2380 of the WNK1 protein (p.Thr2380Ala).

NM_018979.4(WNK1):c.6382A>G (p.Thr2128Ala)

Gene: WNK1 (WNK lysine deficient protein kinase 1; plus strand). Cytogenetic location: 12p13.33.
Variant type: single nucleotide variant.
Coding change: c.6382A>G on transcript NM_018979.4 (MANE Select); coding-DNA position 6382, A replaced by G.
Protein change: p.Thr2128Ala; replaces threonine 2128 with alanine.
Molecular consequence: missense variant.
Genome position (GRCh38, 1-based): chr12:897,615, A>G. VCF-style: chr12-897615-A-G. GRCh37 (hg19) VCF-style: chr12-1006781-A-G.
Other names: c.7162A>G, p.Thr2388Ala (NM_001184985.2); c.5638A>G, p.Thr1880Ala (NM_014823.3); c.7138A>G, p.Thr2380Ala (NM_213655.5); short protein forms T2128A, T1880A, T2388A, T2380A.
Identifiers: ClinVar variation 842362 (VCV000842362.7), dbSNP rs1954864122, ClinGen allele CA383337296.